The following is an entry in ClinVar:

NM_002470.4(MYH3):c.3497A>G (p.Lys1166Arg)

Gene: MYH3 (myosin heavy chain 3; minus strand). Cytogenetic location: 17p13.1.
Variant type: single nucleotide variant.
Coding change: c.3497A>G on transcript NM_002470.4 (MANE Select); coding-DNA position 3497, A replaced by G.
Protein change: p.Lys1166Arg; replaces lysine 1166 with arginine.
Molecular consequence: missense variant.
Genome position (GRCh38, 1-based): chr17:10,638,275, T>C on the plus strand (A>G on the coding strand, the complement: MYH3 is on the minus strand). VCF-style: chr17-10638275-T-C. GRCh37 (hg19) VCF-style: chr17-10541592-T-C.
Other names: short protein forms K1166R.
Identifiers: ClinVar variation 4800672 (VCV004800672.1).

ClinVar aggregate classification (germline): Uncertain significance (1 of 4 stars; one submission).

gnomAD v4.1: 1 of 1,613,834 alleles (0.000062%); highest among the groups gnomAD compares: Non-Finnish European, 0.000085%; no homozygotes.

Submission:

Labcorp Genetics (formerly Invitae), Labcorp
Classification: Uncertain significance. Last evaluated: 2025-05-30. Review status: criteria provided, single submitter. Criteria: Invitae Variant Classification Sherloc (09022015). Collection method: clinical testing. Allele origin: germline.
Comment: This sequence change replaces lysine, which is basic and polar, with arginine, which is basic and polar, at codon 1166 of the MYH3 protein (p.Lys1166Arg). This variant is not present in population databases (gnomAD no frequency). This variant has not been reported in the literature in individuals affected with MYH3-related conditions. Invitae Evidence Modeling of protein sequence and biophysical properties (such as structural, functional, and spatial information, amino acid conservation, physicochemical variation, residue mobility, and thermodynamic stability) indicates that this missense variant is not expected to disrupt MYH3 protein function with a negative predictive value of 95%. In summary, the available evidence is currently insufficient to determine the role of this variant in disease. Therefore, it has been classified as a Variant of Uncertain Significance.